The following is an entry in ClinVar:

NM_000059.4(BRCA2):c.4012_4013dup (p.Ser1339fs)

Gene: BRCA2 (BRCA2 DNA repair associated; plus strand). Cytogenetic location: 13q13.1.
Variant type: Duplication.
Coding change: c.4012_4013dup on transcript NM_000059.4 (MANE Select); coding-DNA positions 4012 to 4013, 2 bases duplicated (GG; older notation c.4012_4013dupGG).
Protein change: p.Ser1339fs; shifts the reading frame from serine 1339.
Molecular consequence: frameshift variant.
Genome position (GRCh38, 1-based): chr13:32,338,367-32,338,368, GG duplicated. VCF-style (leftmost placement, unchanged base first): chr13-32338366-T-TGG. GRCh37 (hg19) VCF-style: chr13-32912503-T-TGG.
Other names: c.4012_4013dupGG (NM_000059.3); short protein forms S1339fs.
Identifiers: ClinVar variation 548428 (VCV000548428.1), dbSNP rs397507321, ClinGen allele CA658823561.

ClinVar aggregate classification (germline): Pathogenic (3 of 4 stars; one submission).

Conditions:
Breast-ovarian cancer, familial, susceptibility to, 2 (BROVCA2). Also called: BRCA2 Hereditary Breast and Ovarian Cancer. Identifiers: Orphanet 145, MedGen C2675520, MONDO:0012933, OMIM 612555. Disease mechanism: loss of function.

Submission:

Evidence-based Network for the Interpretation of Germline Mutant Alleles (ENIGMA)
Classification: Pathogenic for Breast-ovarian cancer, familial, susceptibility to, 2. Last evaluated: 2017-12-15. Review status: reviewed by expert panel. Criteria: ENIGMA BRCA1/2 Classification Criteria (2017-06-29). Collection method: curation. Allele origin: germline. Study: ENIGMA.
Comment: Variant allele predicted to encode a truncated non-functional protein.